The following is an entry in ClinVar:

ClinVar aggregate classification (germline): Pathogenic/Likely pathogenic. Review status: criteria provided, multiple submitters, no conflicts (2 of 4 stars). 16 submissions from 15 submitters: Pathogenic (7); Likely pathogenic (5). 4 of the submissions do not count toward it. Last evaluated 2025-12-09.

Conditions:
USH2A-related disorder. Also called: USH2A-related condition; USH2A-related disorders. Identifiers: MedGen CN239332.
Usher syndrome type 2A. Also called: RETINAL DISEASE IN USHER SYNDROME TYPE IIA, MODIFIER OF; USHER SYNDROME, TYPE IIA. Identifiers: Orphanet 231178, Orphanet 886, MedGen C1848634, MONDO:0010169, OMIM 276901.
Usher syndrome. Also called: Usher Syndromes; Usher's syndrome. Identifiers: Orphanet 886, MedGen CN469326, MeSH D052245, MONDO:0019501. Disease mechanism: loss of function.
Retinal dystrophy. Also called: Inherited retinal dystrophy. Identifiers: Orphanet 71862, MedGen C0854723, MeSH D058499, MONDO:0019118, HP:0000556.
Retinitis pigmentosa 39 (RP39). Identifiers: Orphanet 791, MedGen C3151138, MONDO:0013436, OMIM 613809.

Allele frequency attached by ClinVar (database versions not stated): gnomAD exomes 0.00001 and 0.00002; TOPMed 0.00001; gnomAD 0.00002 and 0.00003; ExAC 0.00003; 1000 Genomes Project 30x 0.00016; 1000 Genomes Project 0.00020.
gnomAD v4.1: 22 of 1,613,996 alleles (0.0014%); highest among the groups gnomAD compares: African/African-American, 0.0053%; no homozygotes.

Submissions (16):

Genetics Research Center, University of Social Welfare and Rehabilitation Sciences
Classification: Pathogenic for Usher syndrome type 2A. Last evaluated: 2025-12-09. Review status: criteria provided, single submitter. Criteria: ACMG Guidelines, 2015. Collection method: research. Allele origin: germline. Affected: yes.
Comment: This heterozygous variant is present at a very low frequency in the gnomAD v2.1.1 dataset (allele frequency: 0.002%). Previous studies have reported its association with USH2A-related disorders (PMID: 29142287, 22135276, 29625443, 34148116).

3billion
Classification: Pathogenic for Retinitis pigmentosa 39. Last evaluated: 2025-11-21. Review status: criteria provided, single submitter. Criteria: ACMG Guidelines, 2015. Collection method: clinical testing. Allele origin: germline. Affected: yes.
Comment: The variant is observed at an extremely low frequency in the gnomAD v4.1.0 dataset (total allele frequency: 0.001%). Predicted Consequence/Location: Missense variant In silico tool predictions suggest damaging effect of the variant on gene or gene product [REVEL: 0.69 (>=0.6, sensitivity 0.68 and specificity 0.92); 3Cnet: 0.95 (> 0.75, sensitivity 0.96 and precision 0.92)]. The same nucleotide change resulting in the same amino acid change has been previously reported as pathogenic/likely pathogenic with strong evidence (ClinVar ID: VCV000861348 /PMID: 22135276 /3billion dataset). The variant has been reported to be in trans with a pathogenic variant as either compound heterozygous or homozygous in at least 2 similarly affected unrelated individuals (PMID: 22135276, 24618324, 29142287). Therefore, this variant is classified as Pathogenic according to the recommendation of ACMG/AMP guideline.

Natera, Inc.
Classification: Pathogenic for Usher syndrome type 2A. Last evaluated: 2025-10-06. Review status: criteria provided, single submitter. Criteria: Natera Variant Classification Schema (03/2026). Collection method: clinical testing. Allele origin: germline.
Comment: The c.4732C>T variant in USH2A is a missense variant predicted to cause substitution of arginine to cysteine at amino acid 1578. This variant is rare in the general population with a frequency below the threshold expected for the associated phenotype(s). This variant has been observed in one or more individuals affected with the associated recessive disease, as either homozygous or compound heterozygous with a second variant (PMID: 32176120, 24944099, 22135276, 36011334, 29142287). Computational prediction algorithms indicate this variant is likely to affect gene or protein function. Given the available evidence, this variant is classified as Pathogenic.

Fulgent Genetics
Classification: Likely pathogenic for Usher syndrome type 2A; Retinitis pigmentosa 39. Last evaluated: 2024-06-17. Review status: criteria provided, single submitter. Criteria: ACMG Guidelines, 2015. Collection method: clinical testing. Allele origin: germline.

Baylor Genetics
Classification: Pathogenic for Retinitis pigmentosa 39. Last evaluated: 2024-02-14. Review status: criteria provided, single submitter. Criteria: ACMG Guidelines, 2015. Collection method: clinical testing. Allele origin: unknown.

Labcorp Genetics (formerly Invitae), Labcorp
Classification: Pathogenic. Last evaluated: 2024-01-13. Review status: criteria provided, single submitter. Criteria: Invitae Variant Classification Sherloc (09022015). Collection method: clinical testing. Allele origin: germline.
Comment: This sequence change replaces arginine, which is basic and polar, with cysteine, which is neutral and slightly polar, at codon 1578 of the USH2A protein (p.Arg1578Cys). This variant is present in population databases (rs201529124, gnomAD 0.008%). This missense change has been observed in individual(s) with Usher syndrome or retinitis pigmentosa (PMID: 22135276, 24618324, 29142287, 29625443). In at least one individual the data is consistent with being in trans (on the opposite chromosome) from a pathogenic variant. ClinVar contains an entry for this variant (Variation ID: 861348). Advanced modeling of protein sequence and biophysical properties (such as structural, functional, and spatial information, amino acid conservation, physicochemical variation, residue mobility, and thermodynamic stability) has been performed at Invitae for this missense variant, however the output from this modeling did not meet the statistical confidence thresholds required to predict the impact of this variant on USH2A protein function. For these reasons, this variant has been classified as Pathogenic.

Genome-Nilou Lab
Classification: Likely pathogenic for Retinitis pigmentosa 39. Last evaluated: 2023-11-04. Review status: criteria provided, single submitter. Criteria: ACMG Guidelines, 2015. Collection method: clinical testing. Allele origin: germline. Affected: no.

Genome-Nilou Lab
Classification: Likely pathogenic for Usher syndrome type 2A. Last evaluated: 2023-11-04. Review status: criteria provided, single submitter. Criteria: ACMG Guidelines, 2015. Collection method: clinical testing. Allele origin: germline. Affected: no.

Blueprint Genetics
Classification: Pathogenic for USH2A-related disorders. Last evaluated: 2023-06-28. Review status: criteria provided, single submitter. Criteria: ACMG Guidelines, 2015. Collection method: clinical testing. Allele origin: germline. Affected: yes. Observed: 5 variant alleles.

Women's Health and Genetics/Laboratory Corporation of America, LabCorp
Classification: Pathogenic for Usher syndrome. Last evaluated: 2022-08-18. Review status: criteria provided, single submitter. Criteria: LabCorp Variant Classification Summary - May 2015. Collection method: clinical testing. Allele origin: germline.
Comment: Variant summary: USH2A c.4732C>T (p.Arg1578Cys) results in a non-conservative amino acid change located in the laminin G domain (IPR001791) of the encoded protein sequence. Three out of five in-silico tools predict a benign effect of the variant on protein function. The variant allele was found at a frequency of 1.6e-05 in 251166 control chromosomes (gnomAD). c.4732C>T has been reported in the literature in multiple biallelic individuals affected with Usher Syndrome and/or retinitis pigmentosa (e.g. Le Quesne Stabej_2012, Jinda_2014, Pierrache_2016, Eandi_2017, Sun_2018, Karali_2019, Mansard_2021, Bahena_2022). These data indicate that the variant is very likely to be associated with disease. To our knowledge, no experimental evidence demonstrating an impact on protein function has been reported. Three submitters have provided clinical-significance assessments for this variant to ClinVar after 2014. All classified the variant as pathogenic (n=1) or likely pathogenic (n=2). Based on the evidence outlined above, the variant was classified as pathogenic.

Institute of Human Genetics, Univ. Regensburg, Univ. Regensburg
Classification: Likely pathogenic for Retinal dystrophy. Last evaluated: 2022-01-01. Review status: criteria provided, single submitter. Criteria: ACMG Guidelines, 2015. Collection method: clinical testing. Allele origin: germline. Affected: yes.

Ocular Genomics Institute, Massachusetts Eye and Ear
Classification: Likely pathogenic for Retinitis pigmentosa 39. Last evaluated: 2021-04-08. Review status: criteria provided, single submitter. Criteria: ACMG Guidelines, 2015. Collection method: research. Allele origin: germline. Affected: yes.
Comment: Through a review of available evidence we were able to apply the following criteria: PM2, PP3, PP1, PM3-S. Based on this evidence we have classified this variant as Likely Pathogenic.

Clinical Genetics Laboratory, University Hospital Schleswig-Holstein
Classification: Pathogenic for Usher syndrome type 2A. Last evaluated: 2024-03-12. Review status: no assertion criteria provided. Collection method: clinical testing. Allele origin: germline. Affected: yes. Not counted in ClinVar's aggregate classification.

OMIM
Classification: Pathogenic for RETINITIS PIGMENTOSA 39. Last evaluated: 2023-04-17. Review status: no assertion criteria provided. Collection method: literature only. Allele origin: germline. Not counted in ClinVar's aggregate classification.

Clinical Genetics DNA and cytogenetics Diagnostics Lab, Erasmus MC, Erasmus Medical Center
Classification: Pathogenic. Review status: no assertion criteria provided. Collection method: clinical testing. Allele origin: germline. Affected: yes. Study: VKGL Data-share Consensus. Not counted in ClinVar's aggregate classification.

Clinical Genetics, Academic Medical Center
Classification: Likely pathogenic. Review status: no assertion criteria provided. Collection method: clinical testing. Allele origin: germline. Affected: yes. Study: VKGL Data-share Consensus. Not counted in ClinVar's aggregate classification.

Literature cited by the submitters: PubMed 29142287 (cited by 6 submitters); PubMed 22135276 (cited by 7 submitters); PubMed 29625443 (cited by 5 submitters); PubMed 34148116 (cited by 3 submitters); PubMed 24618324 (cited by 5 submitters); PubMed 32176120 (cited by Natera, Inc.); PubMed 24944099 (cited by Natera, Inc.); PubMed 36011334 (cited by Natera, Inc. and Institute of Human Genetics, Univ. Regensburg, Univ. Regensburg); PubMed 26927203 (cited by Women's Health and Genetics/Laboratory Corporation of America, LabCorp); PubMed 31877679 (cited by Women's Health and Genetics/Laboratory Corporation of America, LabCorp and Institute of Human Genetics, Univ. Regensburg, Univ. Regensburg); PubMed 34948090 (cited by Women's Health and Genetics/Laboratory Corporation of America, LabCorp and Institute of Human Genetics, Univ. Regensburg, Univ. Regensburg); PubMed 31964843 (cited by Institute of Human Genetics, Univ. Regensburg, Univ. Regensburg); PubMed 33090715 (cited by Institute of Human Genetics, Univ. Regensburg, Univ. Regensburg); PubMed 34327195 (cited by Institute of Human Genetics, Univ. Regensburg, Univ. Regensburg); PubMed 36460718 (cited by Institute of Human Genetics, Univ. Regensburg, Univ. Regensburg); PubMed 36819107 (cited by Institute of Human Genetics, Univ. Regensburg, Univ. Regensburg); PubMed 36785559 (cited by Institute of Human Genetics, Univ. Regensburg, Univ. Regensburg); PubMed 36314366 (cited by OMIM).

NM_206933.4(USH2A):c.4732C>T (p.Arg1578Cys)

Gene: USH2A (usherin; minus strand). Cytogenetic location: 1q41.
Variant type: single nucleotide variant.
Coding change: c.4732C>T on transcript NM_206933.4 (MANE Select); coding-DNA position 4732, C replaced by T.
Protein change: p.Arg1578Cys; replaces arginine 1578 with cysteine.
Molecular consequence: missense variant.
Genome position (GRCh38, 1-based): chr1:216,097,109, G>A on the plus strand (C>T on the coding strand, the complement: USH2A is on the minus strand). VCF-style: chr1-216097109-G-A. GRCh37 (hg19) VCF-style: chr1-216270451-G-A.
Other names: short protein forms R1578C.
Identifiers: ClinVar variation 861348 (VCV000861348.25), dbSNP rs201529124, ClinGen allele CA1395641.
Genomic context (GRCh38, chr1:216,097,109, plus strand): 5'-TTAAAAATATTAAAGTTTATGATTTCTCATTTACCTGAGGATCAAAAAGAAAATAAAGAC[G>A]TCCCTTCTTCAACTGAAGTGCAAAATACTCTTCCTGATTGCCAGGTGATGCTGCAAAGAC-3'
Protein context (NP_996816.3, residues 1568-1588): EYFALQLKKG[Arg1578Cys]LYFLFDPQGS